The following is an entry in ClinVar:

ClinVar aggregate classification (germline): Uncertain significance (1 of 4 stars; one submission).

Conditions:
Pancreatic adenocarcinoma. Identifiers: MedGen C0281361, MONDO:0006047, HP:0006725.

Submission:

Labcorp Genetics (formerly Invitae), Labcorp
Classification: Uncertain significance for Pancreatic adenocarcinoma. Last evaluated: 2022-10-17. Review status: criteria provided, single submitter. Criteria: Invitae Variant Classification Sherloc (09022015). Collection method: clinical testing. Allele origin: germline.
Comment: This variant, c.229_234del, results in the deletion of 2 amino acid(s) of the PALLD protein (p.Pro77_Glu78del), but otherwise preserves the integrity of the reading frame. This variant is present in population databases (no rsID available, gnomAD 0.007%). This variant has not been reported in the literature in individuals affected with PALLD-related conditions. ClinVar contains an entry for this variant (Variation ID: 1411109). Experimental studies and prediction algorithms are not available or were not evaluated, and the functional significance of this variant is currently unknown. In summary, the available evidence is currently insufficient to determine the role of this variant in disease. Therefore, it has been classified as a Variant of Uncertain Significance.

NM_001166108.2(PALLD):c.1965-12802_1965-12797del

Gene: PALLD (palladin, cytoskeletal associated protein; plus strand). Cytogenetic location: 4q32.3.
Variant type: Deletion.
Coding change: c.1965-12802_1965-12797del on transcript NM_001166108.2 (MANE Select); 12802 bases into the intron before coding-DNA position 1965 through 12797 bases into the intron before coding-DNA position 1965, 6 bases deleted (CCCGAG; older notation c.1965-12802_1965-12797delCCCGAG).
Molecular consequence: intron variant. On other transcripts: inframe deletion (1).
Genome position (GRCh38, 1-based): chr4:168,878,120-168,878,125, CCCGAG deleted; deleting any 6 consecutive bases within chr4:168,878,117-168,878,125 gives the same sequence; the c. name uses the placement nearest the transcript's 3' end. VCF-style (leftmost placement, unchanged base first): chr4-168878116-TGAGCCC-T. GRCh37 (hg19) VCF-style: chr4-169799267-TGAGCCC-T.
Other names: c.229_234del, p.Pro77_Glu78del (NM_001166110.2); c.1965-12802_1965-12797del (NM_016081.4); c.819-12802_819-12797del (NM_001166109.2); c.-157-12802_-157-12797del (NM_001367570.1, NM_001367568.1, NM_001367567.1 and 1 more transcripts).
Identifiers: ClinVar variation 1411109 (VCV001411109.8), dbSNP rs1264657310, ClinGen allele CA556453462.